The following is an entry in ClinVar:

NM_015404.4(WHRN):c.2354C>T (p.Thr785Ile)

Gene: WHRN (whirlin; minus strand). Cytogenetic location: 9q32.
Variant type: single nucleotide variant.
Coding change: c.2354C>T on transcript NM_015404.4 (MANE Select); coding-DNA position 2354, C replaced by T.
Protein change: p.Thr785Ile; replaces threonine 785 with isoleucine.
Molecular consequence: missense variant.
Genome position (GRCh38, 1-based): chr9:114,403,960, G>A on the plus strand (C>T on the coding strand, the complement: WHRN is on the minus strand). VCF-style: chr9-114403960-G-A. GRCh37 (hg19) VCF-style: chr9-117166240-G-A.
Other names: c.1205C>T, p.Thr402Ile (NM_001083885.3); c.2351C>T, p.Thr784Ile (NM_001173425.2); c.1301C>T, p.Thr434Ile (NM_001346890.1); short protein forms T785I, T402I, T434I, T784I.
Identifiers: ClinVar variation 45673 (VCV000045673.18), dbSNP rs201555289, ClinGen allele CA136914.

ClinVar aggregate classification (germline): Conflicting classifications of pathogenicity. Review status: criteria provided, conflicting classifications (1 of 4 stars). 7 submissions from 6 submitters: Uncertain significance (4); Likely benign (2). 1 of the submissions does not count toward it. Last evaluated 2024-07-10.

Conditions:
Retinal dystrophy. Also called: Inherited retinal dystrophy. Identifiers: Orphanet 71862, MedGen C0854723, MeSH D058499, MONDO:0019118, HP:0000556.
Usher syndrome type 2D. Also called: USHER SYNDROME, TYPE IID. Identifiers: Orphanet 231178, Orphanet 886, MedGen C1568249, MONDO:0012662, OMIM 611383.
Autosomal recessive nonsyndromic hearing loss 31. Also called: WHIRLER, MOUSE, HOMOLOG OF. Identifiers: Orphanet 90636, MedGen C1846839, MONDO:0011767, OMIM 607084.

Allele frequency attached by ClinVar (database versions not stated): TOPMed 0.00014; gnomAD 0.00019 and 0.00021; gnomAD exomes 0.00020 and 0.00030; ExAC 0.00021; ESP Exome Variant Server 0.00023.
gnomAD v4.1: 337 of 1,611,612 alleles (0.021%); highest among the groups gnomAD compares: South Asian, 0.078%; 1 homozygote.

Submissions (7):

Blueprint Genetics
Classification: Likely benign. Last evaluated: 2024-07-10. Review status: criteria provided, single submitter. Criteria: ACMG Guidelines, 2015. Collection method: clinical testing. Allele origin: germline.

Labcorp Genetics (formerly Invitae), Labcorp
Classification: Uncertain significance. Last evaluated: 2022-10-24. Review status: criteria provided, single submitter. Criteria: Invitae Variant Classification Sherloc (09022015). Collection method: clinical testing. Allele origin: germline.
Comment: This sequence change replaces threonine, which is neutral and polar, with isoleucine, which is neutral and non-polar, at codon 785 of the WHRN protein (p.Thr785Ile). This variant is present in population databases (rs201555289, gnomAD 0.08%). This variant has not been reported in the literature in individuals affected with WHRN-related conditions. ClinVar contains an entry for this variant (Variation ID: 45673). Algorithms developed to predict the effect of missense changes on protein structure and function (SIFT, PolyPhen-2, Align-GVGD) all suggest that this variant is likely to be tolerated. In summary, the available evidence is currently insufficient to determine the role of this variant in disease. Therefore, it has been classified as a Variant of Uncertain Significance.

GeneDx
Classification: Likely benign. Last evaluated: 2021-09-13. Review status: criteria provided, single submitter. Criteria: GeneDx Variant Classification Process June 2021. Collection method: clinical testing. Allele origin: germline. Affected: yes.
Comment: In silico analysis supports that this missense variant does not alter protein structure/function; Has not been previously published as pathogenic or benign to our knowledge

Illumina Laboratory Services, Illumina
Classification: Uncertain significance for Autosomal recessive nonsyndromic hearing loss 31. Last evaluated: 2018-01-13. Review status: criteria provided, single submitter. Criteria: ICSL Variant Classification Criteria 13 December 2019. Collection method: clinical testing. Allele origin: germline.

Illumina Laboratory Services, Illumina
Classification: Uncertain significance for Usher syndrome type 2D. Last evaluated: 2018-01-13. Review status: criteria provided, single submitter. Criteria: ICSL Variant Classification Criteria 13 December 2019. Collection method: clinical testing. Allele origin: germline.

Laboratory for Molecular Medicine, Mass General Brigham Personalized Medicine
Classification: Uncertain significance. Last evaluated: 2012-12-20. Review status: criteria provided, single submitter. Criteria: LMM Criteria. Collection method: clinical testing. Allele origin: germline. Observed: 1 variant allele.
Comment: Variant classified as Uncertain Significance - Favor Benign. The Thr785Ile varia nt in DFNB31 has not been reported in the literature nor previously identified b y our laboratory. Computational analyses (biochemical amino acid properties, con servation, AlignGVGD, PolyPhen2, and SIFT) suggest that the Thr785Ile variant ma y not impact the protein. In addition, this variant has been identified in 0.03% (3/8600) of European American chromosomes and 0.02% (1/4406) of African America n chromosomes in a broad population by the NHLBI Exome sequencing project (dbSNP rs201555289). In summary, computational ana lyses predictions, lack of conservation at this position, and the presence of th is variant in the general population support a more likely benign role, however additional data is needed to determine its clinical significance with certainty.

Institute of Human Genetics, Univ. Regensburg, Univ. Regensburg
Classification: Uncertain significance for Retinal dystrophy. Last evaluated: 2023-01-01. Review status: no assertion criteria provided. Criteria: ACMG Guidelines, 2015. Collection method: clinical testing. Allele origin: germline. Affected: yes. Not counted in ClinVar's aggregate classification.